The following is an entry in ClinVar:

ClinVar aggregate classification (germline): Uncertain significance. Review status: reviewed by expert panel (3 of 4 stars). 9 submissions from 9 submitters: Uncertain significance (1). 8 of the submissions do not count toward it. Last evaluated 2025-07-02.

Conditions:
Autosomal recessive nonsyndromic hearing loss 12. Also called: DEAFNESS, AUTOSOMAL RECESSIVE 12. Identifiers: Orphanet 90636, MedGen C1832394, MONDO:0011067, OMIM 601386.
Usher syndrome type 1D (USH1D). Also called: USHER SYNDROME, TYPE ID. Identifiers: Orphanet 231169, Orphanet 886, MedGen C1832845, MONDO:0010984, OMIM 601067.
Pituitary adenoma 5, multiple types. Identifiers: MedGen C4539685, MONDO:0054601, OMIM 617540.
Usher syndrome. Also called: Usher Syndromes; Usher's syndrome. Identifiers: Orphanet 886, MedGen CN469326, MeSH D052245, MONDO:0019501. Disease mechanism: loss of function.
Usher syndrome type 1 (USH1). Also called: RETINITIS PIGMENTOSA AND CONGENITAL DEAFNESS. Identifiers: Orphanet 231169, Orphanet 886, MedGen C1568247, MONDO:0010168, OMIM 276900.
USHER SYNDROME, TYPE ID/F, DIGENIC. Also called: Usher syndrome, type 1D/F digenic. Identifiers: MedGen C3276419.

Allele frequency attached by ClinVar (database versions not stated): gnomAD 0.00003; TOPMed 0.00003.
gnomAD v4.1: 24 of 1,613,342 alleles (0.0015%); highest among the groups gnomAD compares: African/African-American, 0.0027%; no homozygotes.

Submissions (9):

ClinGen Hearing Loss Variant Curation Expert Panel
Classification: Uncertain significance for Usher syndrome. Last evaluated: 2025-07-02. Review status: reviewed by expert panel. Criteria: Clingen Hl Acmg Specifications Cdh23 Coch Gjb2 Kcnq4 Myo6 Myo7a Slc26a4 Tecta Ush2a V2. Collection method: curation. Allele origin: germline. Inheritance: Autosomal recessive inheritance.
Comment: The c.9565C>T variant in CDH23 is a missense variant predicted to cause substitution of arginine by tryptophan at amino acid 3189. The only evidence resulting in a classification code was determined by the computational predictor REVEL which gives a score of 0.783, which is above the threshold of 0.7, evidence that correlates with impact to CDH23 function (PP3). The highest population minor allele frequency in gnomAD v4.1 is 0.000338 (10/29592) in the Ashkenazi Jewish Population (PM2_Supporting and BS1_Supporting are not met). In summary, this variant meets the criteria to be classified as a variant of uncertain significance for autosomal recessive Usher syndrome based on the ACMG/AMP criteria applied, as specified by the ClinGen Hearing Loss VCEP: PP3 (ClinGen Hearing Loss VCEP specifications version 2; 6/30/2025).

Labcorp Genetics (formerly Invitae), Labcorp
Classification: Uncertain significance. Last evaluated: 2022-07-06. Review status: criteria provided, single submitter. Criteria: Invitae Variant Classification Sherloc (09022015). Collection method: clinical testing. Allele origin: germline. Not counted in ClinVar's aggregate classification.
Comment: This sequence change replaces arginine, which is basic and polar, with tryptophan, which is neutral and slightly polar, at codon 3189 of the CDH23 protein (p.Arg3189Trp). This variant is present in population databases (rs121908353, gnomAD 0.04%). This missense change has been observed in individual(s) with clinical features of CDH23-related conditions (PMID: 15537665, 15660226). ClinVar contains an entry for this variant (Variation ID: 4926). Algorithms developed to predict the effect of missense changes on protein structure and function are either unavailable or do not agree on the potential impact of this missense change (SIFT: "Deleterious"; PolyPhen-2: "Not Available"; Align-GVGD: "Class C0"). In summary, the available evidence is currently insufficient to determine the role of this variant in disease. Therefore, it has been classified as a Variant of Uncertain Significance.

Blueprint Genetics
Classification: Uncertain significance. Last evaluated: 2022-04-01. Review status: criteria provided, single submitter. Criteria: ACMG Guidelines, 2015. Collection method: clinical testing. Allele origin: germline. Not counted in ClinVar's aggregate classification.

Fulgent Genetics
Classification: Uncertain significance for Usher syndrome type 1D; Autosomal recessive nonsyndromic hearing loss 12; Pituitary adenoma 5, multiple types. Last evaluated: 2022-01-19. Review status: criteria provided, single submitter. Criteria: ACMG Guidelines, 2015. Collection method: clinical testing. Allele origin: unknown. Not counted in ClinVar's aggregate classification.

Laboratory for Molecular Medicine, Mass General Brigham Personalized Medicine
Classification: Uncertain significance. Last evaluated: 2012-05-07. Review status: criteria provided, single submitter. Criteria: LMM Criteria. Collection method: clinical testing. Allele origin: germline. Observed: 1 variant allele. Not counted in ClinVar's aggregate classification.
Comment: Variant classified as Uncertain Significance - Favor Benign. The Arg3189Trp vari ant (CDH23) has been reported in the literature twice and was absent from 200 co ntrols (Zheng 2005, Ouyang 2005). However, we suspect that the two reports were not independent and represent the same patient, who may also represent the prese nt patient, based upon the co-occurrence of this variant and the Tyr16fs variant noted in one of the papers. Computational analyses (biochemical amino acid prop erties, conservation, AlignGVGD, PolyPhen2, and SIFT) do not provide strong supp ort for or against an impact to the protein. In summary, the clinical significan ce of this variant cannot be determined with certainty at this time.

Natera, Inc.
Classification: Uncertain significance for Usher syndrome type 1. Last evaluated: 2020-09-16. Review status: no assertion criteria provided. Collection method: clinical testing. Allele origin: germline. Not counted in ClinVar's aggregate classification.

OMIM
Classification: Pathogenic for USHER SYNDROME, TYPE ID/F, DIGENIC. Last evaluated: 2005-01-01. Review status: no assertion criteria provided. Collection method: literature only. Allele origin: germline. Not counted in ClinVar's aggregate classification.

Department of Pathology and Laboratory Medicine, Sinai Health System
Classification: Uncertain significance. Review status: no assertion criteria provided. Collection method: clinical testing. Allele origin: unknown. Affected: yes. Study: The Canadian Open Genetics Repository (COGR). Not counted in ClinVar's aggregate classification.
Comment: The CDH23 p.Arg86Trp variant was not identified in the Cosmic database but was identified in dbSNP (ID: rs121908353) ClinVar (reported as a VUS by Partners Laboratory for Molecular Medicine), Clinvitae, MutDB and LOVD 3.0. The variant was identified in control databases in 6 of 279194 chromosomes at a frequency of 0.000021 (Genome Aggregation Database Feb 27, 2017). The variant was observed in the following populations: Ashkenazi Jewish in 4 of 10320 chromosomes (freq: 0.000388) and African in 2 of 24024 chromosomes (freq: 0.000083); it was not observed in the Latino, East Asian, European (Finnish), European (non-Finnish), Other, and South Asian populations. Zheng et al. (2005) identified the variant in a proband with deafness who also carried a PCDH15 variant. The p.Arg86 residue is conserved across mammals and other organisms, and computational analyses (PolyPhen-2, SIFT, AlignGVGD, BLOSUM, MutationTaster) suggest that the variant may impact the protein; however, this information is not predictive enough to assume pathogenicity. In summary, based on the above information the clinical significance of this variant cannot be determined with certainty at this time. This variant is classified as a variant of uncertain significance.

GeneReviews
No classification provided. Condition: Usher syndrome type 1. Review status: no classification provided. Collection method: literature only. Allele origin: germline. Affected: yes. Not counted in ClinVar's aggregate classification.

Literature cited by the submitters: PubMed 15537665 (cited by 4 submitters); PubMed 15660226 (cited by Labcorp Genetics (formerly Invitae), Labcorp and Laboratory for Molecular Medicine, Mass General Brigham Personalized Medicine); NCBI Bookshelf NBK1265 (cited by GeneReviews).

NM_022124.6(CDH23):c.9565C>T (p.Arg3189Trp)

Gene: CDH23 (cadherin related 23; plus strand). Cytogenetic location: 10q22.1.
Variant type: single nucleotide variant.
Coding change: c.9565C>T on transcript NM_022124.6 (MANE Select); coding-DNA position 9565, C replaced by T.
Protein change: p.Arg3189Trp; replaces arginine 3189 with tryptophan.
Molecular consequence: missense variant.
Genome position (GRCh38, 1-based): chr10:71,812,822, C>T. VCF-style: chr10-71812822-C-T. GRCh37 (hg19) VCF-style: chr10-73572579-C-T.
Other names: c.2845C>T, p.Arg949Trp (NM_001171933.1, NM_001171934.1); c.256C>T, p.Arg86Trp (NM_001171935.1, NM_001171936.1); short protein forms R3189W, R86W, R949W.
Identifiers: ClinVar variation 4926 (VCV000004926.55), dbSNP rs121908353, ClinGen allele CA117145.